The following is an entry in ClinVar:

NM_015450.3(POT1):c.274_276del (p.Glu92del)

Gene: POT1 (protection of telomeres 1; minus strand). Cytogenetic location: 7q31.33.
Variant type: Deletion.
Coding change: c.274_276del on transcript NM_015450.3 (MANE Select); coding-DNA positions 274 to 276, 3 bases deleted (GAG; older notation c.274_276delGAG).
Protein change: p.Glu92del; deletes glutamic acid 92.
Molecular consequence: inframe deletion. On other transcripts: 5 prime UTR variant (1), non-coding transcript variant (3).
Genome position (GRCh38, 1-based): chr7:124,863,620-124,863,622, CTC deleted on the plus strand (GAG on the coding strand, the reverse complement: POT1 is on the minus strand); deleting any 3 consecutive bases within chr7:124,863,620-124,863,624 gives the same sequence; the c. name uses the placement nearest the transcript's 3' end. VCF-style (leftmost placement, unchanged base first): chr7-124863619-TCTC-T. GRCh37 (hg19) VCF-style: chr7-124503673-TCTC-T.
Other names: c.-120_-118del (NM_001042594.2); short protein forms E92del.
Identifiers: ClinVar variation 1026261 (VCV001026261.9), dbSNP rs1795652851, ClinGen allele CA1740730242.

ClinVar aggregate classification (germline): Uncertain significance (1 of 4 stars; one submission).

Conditions:
Tumor predisposition syndrome 3 (TPDS3). Also called: Glioma susceptibility 9; LONG TELOMERE SYNDROME, POT1-RELATED; POT1 Tumor Predisposition; Melanoma, cutaneous malignant, susceptibility to, 10. Identifiers: Orphanet 618, MedGen C4014476, MONDO:0014368, OMIM 615848.

Submission:

Labcorp Genetics (formerly Invitae), Labcorp
Classification: Uncertain significance for Tumor predisposition syndrome 3. Last evaluated: 2020-03-05. Review status: criteria provided, single submitter. Criteria: Invitae Variant Classification Sherloc (09022015). Collection method: clinical testing. Allele origin: germline.
Comment: This variant, c.274_276del, results in the deletion of 1 amino acid(s) of the POT1 protein (p.Glu92del), but otherwise preserves the integrity of the reading frame. This variant is not present in population databases (ExAC no frequency). In summary, the available evidence is currently insufficient to determine the role of this variant in disease. Therefore, it has been classified as a Variant of Uncertain Significance. Experimental studies and prediction algorithms are not available or were not evaluated, and the functional significance of this variant is currently unknown. This variant has not been reported in the literature in individuals with POT1-related conditions.